The following is an entry in ClinVar:

NM_001267550.2(TTN):c.50268C>T (p.Tyr16756=)

Genes: TTN (titin; minus strand), TTN-AS1 (TTN antisense RNA 1; plus strand). Cytogenetic location: 2q31.2.
Variant type: single nucleotide variant.
Coding change: c.50268C>T on transcript NM_001267550.2 (MANE Select); coding-DNA position 50268, C replaced by T.
Protein change: p.Tyr16756=; no amino-acid change (tyrosine 16756 retained).
Molecular consequence: synonymous variant.
Genome position (GRCh38, 1-based): chr2:178,612,143, G>A on the plus strand (C>T on the coding strand, the complement: TTN is on the minus strand). VCF-style: chr2-178612143-G-A. GRCh37 (hg19) VCF-style: chr2-179476870-G-A.
Other names: c.45345C>T, p.Tyr15115= (NM_001256850.1); c.23073C>T, p.Tyr7691= (NM_003319.4); c.42564C>T, p.Tyr14188= (NM_133378.4); c.23448C>T, p.Tyr7816= (NM_133432.3); c.23649C>T, p.Tyr7883= (NM_133437.4).
Identifiers: ClinVar variation 509241 (VCV000509241.23), dbSNP rs748836778, ClinGen allele CA1994408.

ClinVar aggregate classification (germline): Conflicting classifications of pathogenicity. Review status: criteria provided, conflicting classifications (1 of 4 stars). 6 submissions from 6 submitters: Uncertain significance (1); Likely benign (5). Last evaluated 2026-09-21.

Conditions:
Dilated cardiomyopathy 1G (CMD1G). Identifiers: Orphanet 154, MedGen C1858763, MONDO:0011400, OMIM 604145.
Autosomal recessive limb-girdle muscular dystrophy type 2J (LGMDR10). Also called: MUSCULAR DYSTROPHY, LIMB-GIRDLE, AUTOSOMAL RECESSIVE 10; Limb-girdle muscular dystrophy, type 2J. Identifiers: Orphanet 140922, MedGen C1837342, MONDO:0012127, OMIM 608807.
Cardiovascular phenotype. Identifiers: MedGen CN230736.
Cardiomyopathy (CMYO). Also called: Cardiomyopathies. Identifiers: Orphanet 167848, MedGen C0878544, MONDO:0004994, HP:0001638. Inheritance: Various modes of inheritance.

Allele frequency attached by ClinVar (database versions not stated): TOPMed 0.00002; ExAC 0.00003; gnomAD 0.00003 and 0.00001; gnomAD exomes 0.00005 and 0.00001.
gnomAD v4.1: 27 of 1,611,242 alleles (0.0017%); highest among the groups gnomAD compares: Middle Eastern, 0.033%; no homozygotes.

Submissions (6):

Molecular Diagnostic Laboratory for Inherited Cardiovascular Disease, Montreal Heart Institute
Classification: Likely benign. Last evaluated: 2026-09-21. Review status: criteria provided, single submitter. Criteria: ACMG Guidelines, 2015. Collection method: clinical testing. Allele origin: germline. Affected: no.
Comment: BP7

Labcorp Genetics (formerly Invitae), Labcorp
Classification: Likely benign for Dilated cardiomyopathy 1G; Autosomal recessive limb-girdle muscular dystrophy type 2J. Last evaluated: 2026-01-02. Review status: criteria provided, single submitter. Criteria: Invitae Variant Classification Sherloc (09022015). Collection method: clinical testing. Allele origin: germline.

CeGaT Center for Human Genetics Tuebingen
Classification: Likely benign. Last evaluated: 2025-10-01. Review status: criteria provided, single submitter. Criteria: CeGaT Center For Human Genetics Tuebingen Variant Classification Criteria Version 2. Collection method: clinical testing. Allele origin: germline. Affected: yes. Observed: 1 variant allele.
Comment: TTN: BP4, BP7

GeneDx
Classification: Likely benign. Last evaluated: 2021-05-06. Review status: criteria provided, single submitter. Criteria: GeneDx Variant Classification Process June 2021. Collection method: clinical testing. Allele origin: germline. Affected: yes.

Ambry Genetics
Classification: Likely benign for Cardiovascular phenotype. Last evaluated: 2021-03-25. Review status: criteria provided, single submitter. Criteria: Ambry Variant Classification Scheme 2023. Collection method: clinical testing. Allele origin: germline.

CHEO Genetics Diagnostic Laboratory, Children's Hospital of Eastern Ontario
Classification: Uncertain significance for Cardiomyopathy. Last evaluated: 2019-08-26. Review status: criteria provided, single submitter. Criteria: ACMG Guidelines, 2015. Collection method: clinical testing. Allele origin: germline.